The following is an entry in ClinVar:

ClinVar aggregate classification (germline): Uncertain significance (1 of 4 stars; one submission).

Conditions:
Cardiomyopathy (CMYO). Also called: Cardiomyopathies. Identifiers: Orphanet 167848, MedGen C0878544, MONDO:0004994, HP:0001638. Inheritance: Various modes of inheritance.

Submission:

Color Diagnostics, LLC DBA Color Health
Classification: Uncertain significance for Cardiomyopathy. Last evaluated: 2025-06-17. Review status: criteria provided, single submitter. Criteria: ACMG Guidelines, 2015. Collection method: clinical testing. Allele origin: germline.
Comment: This missense variant replaces phenylalanine with leucine at codon 856 of the DSP protein. Computational prediction suggests that this variant may not impact protein structure and function. To our knowledge, functional studies have not been reported for this variant. This variant has not been reported in individuals affected with DSP-related disorders in the literature. This variant has not been identified in the general population by the Genome Aggregation Database (gnomAD). The available evidence is insufficient to determine the role of this variant in disease conclusively. Therefore, this variant is classified as a Variant of Uncertain Significance.

NM_004415.4(DSP):c.2568C>G (p.Phe856Leu)

Gene: DSP (desmoplakin; plus strand). Cytogenetic location: 6p24.3.
Variant type: single nucleotide variant.
Coding change: c.2568C>G on transcript NM_004415.4 (MANE Select); coding-DNA position 2568, C replaced by G.
Protein change: p.Phe856Leu; replaces phenylalanine 856 with leucine.
Molecular consequence: missense variant.
Genome position (GRCh38, 1-based): chr6:7,575,426, C>G. VCF-style: chr6-7575426-C-G. GRCh37 (hg19) VCF-style: chr6-7575659-C-G.
Other names: c.2568C>G, p.Phe856Leu (NM_001008844.3, NM_001319034.2); short protein forms F856L.
Identifiers: ClinVar variation 4757036 (VCV004757036.1).